The following is an entry in ClinVar:

ClinVar aggregate classification (germline): Uncertain significance. Review status: criteria provided, multiple submitters, no conflicts (2 of 4 stars). 2 submissions from 2 submitters: Uncertain significance (2). Last evaluated 2023-06-26.

Conditions:
Inborn genetic diseases. Identifiers: MedGen C0950123, MeSH D030342.

gnomAD v4.1: 10 of 1,614,114 alleles (0.00062%); highest among the groups gnomAD compares: South Asian, 0.0055%; no homozygotes.

Submissions (2):

Ambry Genetics
Classification: Uncertain significance for Inborn genetic diseases. Last evaluated: 2023-06-26. Review status: criteria provided, single submitter. Criteria: Ambry Variant Classification Scheme 2023. Collection method: clinical testing. Allele origin: germline.

Labcorp Genetics (formerly Invitae), Labcorp
Classification: Uncertain significance. Last evaluated: 2022-08-05. Review status: criteria provided, single submitter. Criteria: Invitae Variant Classification Sherloc (09022015). Collection method: clinical testing. Allele origin: germline.
Comment: This variant is present in population databases (rs369974970, gnomAD 0.003%). In summary, the available evidence is currently insufficient to determine the role of this variant in disease. Therefore, it has been classified as a Variant of Uncertain Significance. Advanced modeling of protein sequence and biophysical properties (such as structural, functional, and spatial information, amino acid conservation, physicochemical variation, residue mobility, and thermodynamic stability) performed at Invitae indicates that this missense variant is not expected to disrupt CDHR1 protein function. This variant has not been reported in the literature in individuals affected with CDHR1-related conditions. This sequence change replaces serine, which is neutral and polar, with cysteine, which is neutral and slightly polar, at codon 52 of the CDHR1 protein (p.Ser52Cys).

NM_033100.4(CDHR1):c.155C>G (p.Ser52Cys)

Gene: CDHR1 (cadherin related family member 1; plus strand). Cytogenetic location: 10q23.1.
Variant type: single nucleotide variant.
Coding change: c.155C>G on transcript NM_033100.4 (MANE Select); coding-DNA position 155, C replaced by G.
Protein change: p.Ser52Cys; replaces serine 52 with cysteine.
Molecular consequence: missense variant.
Genome position (GRCh38, 1-based): chr10:84,196,508, C>G. VCF-style: chr10-84196508-C-G. GRCh37 (hg19) VCF-style: chr10-85956264-C-G.
Other names: c.155C>G, p.Ser52Cys (NM_001171971.3); c.155C>G (NM_033100.2); short protein forms S52C.
Identifiers: ClinVar variation 2049759 (VCV002049759.6), dbSNP rs369974970, ClinGen allele CA5579448.